The following is an entry in ClinVar:

ClinVar aggregate classification (germline): Uncertain significance. Review status: criteria provided, multiple submitters, no conflicts (2 of 4 stars). 5 submissions from 5 submitters: Uncertain significance (2). 3 of the submissions do not count toward it. Last evaluated 2024-12-24.

Conditions:
Fanconi anemia (FA). Also called: Fanconi's anemia. Identifiers: Orphanet 84, MedGen C0015625, MeSH D005199, MONDO:0019391.
Fanconi anemia complementation group A (FANCA). Also called: Fanconi anemia, group A; FANCA-Related Fanconi Anemia. Identifiers: Orphanet 84, MedGen C3469521, MONDO:0009215, OMIM 227650.

Allele frequency attached by ClinVar (database versions not stated): gnomAD exomes 0.00001 and 0.00002; ExAC 0.00002; gnomAD 0.00003; TOPMed 0.00004.
gnomAD v4.1: 15 of 1,613,922 alleles (0.00093%); highest among the groups gnomAD compares: East Asian, 0.018%; no homozygotes.

Submissions (5):

Labcorp Genetics (formerly Invitae), Labcorp
Classification: Uncertain significance for Fanconi anemia. Last evaluated: 2024-12-24. Review status: criteria provided, single submitter. Criteria: Invitae Variant Classification Sherloc (09022015). Collection method: clinical testing. Allele origin: germline.
Comment: This sequence change replaces threonine, which is neutral and polar, with alanine, which is neutral and non-polar, at codon 982 of the FANCA protein (p.Thr982Ala). This variant is present in population databases (rs587778317, gnomAD 0.03%). This variant has not been reported in the literature in individuals affected with FANCA-related conditions. ClinVar contains an entry for this variant (Variation ID: 134261). Invitae Evidence Modeling of protein sequence and biophysical properties (such as structural, functional, and spatial information, amino acid conservation, physicochemical variation, residue mobility, and thermodynamic stability) indicates that this missense variant is not expected to disrupt FANCA protein function with a negative predictive value of 95%. In summary, the available evidence is currently insufficient to determine the role of this variant in disease. Therefore, it has been classified as a Variant of Uncertain Significance.

CeGaT Center for Human Genetics Tuebingen
Classification: Uncertain significance. Last evaluated: 2023-11-01. Review status: criteria provided, single submitter. Criteria: CeGaT Center For Human Genetics Tuebingen Variant Classification Criteria Version 2. Collection method: clinical testing. Allele origin: germline. Affected: yes. Observed: 1 variant allele.
Comment: FANCA: PM2, BP4

Natera, Inc.
Classification: Uncertain significance for Fanconi anemia. Last evaluated: 2020-02-18. Review status: no assertion criteria provided. Collection method: clinical testing. Allele origin: germline. Not counted in ClinVar's aggregate classification.

Counsyl
Classification: Uncertain significance for Fanconi anemia complementation group A. Last evaluated: 2017-06-30. Review status: no assertion criteria provided. Collection method: clinical testing. Allele origin: unknown. Not counted in ClinVar's aggregate classification.

ITMI
No classification provided. Condition: AllHighlyPenetrant. Last evaluated: 2013-09-19. Review status: no classification provided. Collection method: reference population. Allele origin: germline. Not counted in ClinVar's aggregate classification.
Comment: Please see associated publication for description of ethnicities

Literature cited by the submitters: PubMed 24728327 (cited by ITMI).

NM_000135.4(FANCA):c.2944A>G (p.Thr982Ala)

Gene: FANCA (FA complementation group A; minus strand). Cytogenetic location: 16q24.3.
Variant type: single nucleotide variant.
Coding change: c.2944A>G on transcript NM_000135.4 (MANE Select); coding-DNA position 2944, A replaced by G.
Protein change: p.Thr982Ala; replaces threonine 982 with alanine.
Molecular consequence: missense variant.
Genome position (GRCh38, 1-based): chr16:89,758,614, T>C on the plus strand (A>G on the coding strand, the complement: FANCA is on the minus strand). VCF-style: chr16-89758614-T-C. GRCh37 (hg19) VCF-style: chr16-89825022-T-C.
Other names: c.2944A>G (LRG_495t1); c.2944A>G, p.Thr982Ala (NM_001286167.3); short protein forms T982A.
Identifiers: ClinVar variation 134261 (VCV000134261.31), dbSNP rs587778317, ClinGen allele CA159293.